The following is an entry in ClinVar:

NM_001165963.4(SCN1A):c.3445_3450del (p.Ser1151_Ser1152del)

Genes: SCN1A (sodium voltage-gated channel alpha subunit 1; minus strand), LOC102724058 (uncharacterized LOC102724058; plus strand). Cytogenetic location: 2q24.3.
Variant type: Deletion.
Coding change: c.3445_3450del on transcript NM_001165963.4 (MANE Select); coding-DNA positions 3445 to 3450, 6 bases deleted (AGTAGC; older notation c.3445_3450delAGTAGC).
Protein change: p.Ser1151_Ser1152del.
Molecular consequence: inframe deletion. On other transcripts: non-coding transcript variant (2).
Genome position (GRCh38, 1-based): chr2:166,015,707-166,015,712, GCTACT deleted on the plus strand (AGTAGC on the coding strand, the reverse complement: SCN1A is on the minus strand); deleting any 6 consecutive bases within chr2:166,015,707-166,015,715 gives the same sequence; the c. name uses the placement nearest the transcript's 3' end. VCF-style (leftmost placement, unchanged base first): chr2-166015706-AGCTACT-A. GRCh37 (hg19) VCF-style: chr2-166872216-AGCTACT-A.
Other names: c.3445_3450del (NM_001165963.1); c.3361_3366del, p.Ser1123_Ser1124del (NM_001165964.3, NM_001353957.2, NM_001353958.2); c.3445_3450del, p.Ser1151_Ser1152del (NM_001202435.3, NM_001353948.2); c.3412_3417del, p.Ser1140_Ser1141del (NM_001353949.2, NM_001353950.2, NM_001353951.2 and 2 more transcripts); c.3409_3414del, p.Ser1139_Ser1140del (NM_001353954.2, NM_001353955.2); c.3358_3363del, p.Ser1122_Ser1123del (NM_001353960.2); c.1003_1008del, p.Ser337_Ser338del (NM_001353961.2).
Identifiers: ClinVar variation 1478319 (VCV001478319.9), dbSNP rs1314539929, ClinGen allele CA537135447.

ClinVar aggregate classification (germline): Uncertain significance. Review status: criteria provided, multiple submitters, no conflicts (2 of 4 stars). 2 submissions from 2 submitters: Uncertain significance (2). Last evaluated 2026-07-28.

Conditions:
Early-infantile DEE. Also called: Early infantile epileptic encephalopathy; Ohtahara syndrome; Early infantile epileptic encephalopathy with suppression bursts. Identifiers: Orphanet 1934, MedGen C0393706, MONDO:0800491.

Submissions (2):

GeneDx
Classification: Uncertain significance. Last evaluated: 2026-07-28. Review status: criteria provided, single submitter. Criteria: GeneDx Variant Classification Process June 2021. Collection method: clinical testing. Allele origin: germline.
Comment: In-frame deletion of 2 amino acid(s) in a non-repeat region; Not observed at significant frequency in large population cohorts (gnomAD); In silico analysis suggests that this variant does not alter protein structure/function; Has not been previously published as pathogenic or benign to our knowledge

Labcorp Genetics (formerly Invitae), Labcorp
Classification: Uncertain significance for Early-infantile DEE. Last evaluated: 2025-09-19. Review status: criteria provided, single submitter. Criteria: Invitae Variant Classification Sherloc (09022015). Collection method: clinical testing. Allele origin: germline.
Comment: This variant, c.3445_3450del, results in the deletion of 2 amino acid(s) of the SCN1A protein (p.Ser1151_Ser1152del), but otherwise preserves the integrity of the reading frame. This variant is present in population databases (no rsID available, gnomAD 0.01%). This variant has not been reported in the literature in individuals affected with SCN1A-related conditions. ClinVar contains an entry for this variant (Variation ID: 1478319). Experimental studies and prediction algorithms are not available or were not evaluated, and the functional significance of this variant is currently unknown. In summary, the available evidence is currently insufficient to determine the role of this variant in disease. Therefore, it has been classified as a Variant of Uncertain Significance.